The following is an entry in ClinVar:

ClinVar aggregate classification (germline): Uncertain significance. Review status: criteria provided, multiple submitters, no conflicts (2 of 4 stars). 4 submissions from 4 submitters: Uncertain significance (3). 1 of the submissions does not count toward it. Last evaluated 2023-04-11.

Conditions:
Glycogen storage disease type III (GSD3). Also called: Cori disease; FORBES DISEASE. Identifiers: Orphanet 366, MedGen C0017922, MONDO:0009291, OMIM 232400.

Allele frequency attached by ClinVar (database versions not stated): ExAC 0.00001; gnomAD 0.00001; gnomAD exomes 0.00001; TOPMed 0.00001.

Submissions (4):

Genome-Nilou Lab
Classification: Uncertain significance for Glycogen storage disease type III. Last evaluated: 2023-04-11. Review status: criteria provided, single submitter. Criteria: ACMG Guidelines, 2015. Collection method: clinical testing. Allele origin: germline. Affected: no.

Labcorp Genetics (formerly Invitae), Labcorp
Classification: Uncertain significance for Glycogen storage disease type III. Last evaluated: 2022-03-19. Review status: criteria provided, single submitter. Criteria: Invitae Variant Classification Sherloc (09022015). Collection method: clinical testing. Allele origin: germline.
Comment: This sequence change replaces histidine, which is basic and polar, with glutamine, which is neutral and polar, at codon 332 of the AGL protein (p.His332Gln). This variant is present in population databases (rs780811320, gnomAD 0.01%). This variant has not been reported in the literature in individuals affected with AGL-related conditions. ClinVar contains an entry for this variant (Variation ID: 862665). Algorithms developed to predict the effect of missense changes on protein structure and function (SIFT, PolyPhen-2, Align-GVGD) all suggest that this variant is likely to be tolerated. In summary, the available evidence is currently insufficient to determine the role of this variant in disease. Therefore, it has been classified as a Variant of Uncertain Significance.

Fulgent Genetics
Classification: Uncertain significance for Glycogen storage disease type III. Last evaluated: 2021-09-04. Review status: criteria provided, single submitter. Criteria: ACMG Guidelines, 2015. Collection method: clinical testing. Allele origin: unknown.

Natera, Inc.
Classification: Uncertain significance for Glycogen storage disease type III. Last evaluated: 2025-05-12. Review status: no assertion criteria provided. Collection method: clinical testing. Allele origin: germline. Not counted in ClinVar's aggregate classification.

NM_000642.3(AGL):c.996C>A (p.His332Gln)

Gene: AGL (amylo-alpha-1,6-glucosidase and 4-alpha-glucanotransferase; plus strand). Cytogenetic location: 1p21.2.
Variant type: single nucleotide variant.
Coding change: c.996C>A on transcript NM_000642.3 (MANE Select); coding-DNA position 996, C replaced by A.
Protein change: p.His332Gln; replaces histidine 332 with glutamine.
Molecular consequence: missense variant.
Genome position (GRCh38, 1-based): chr1:99,874,724, C>A. VCF-style: chr1-99874724-C-A. GRCh37 (hg19) VCF-style: chr1-100340280-C-A.
Other names: c.996C>A, p.His332Gln (NM_000028.3, NM_000643.3, NM_000644.3 and 3 more transcripts); c.948C>A, p.His316Gln (NM_000646.3); c.792C>A, p.His264Gln (NM_001425328.1, NM_001425329.1); c.618C>A, p.His206Gln (NM_001425332.1); short protein forms H316Q, H332Q, H206Q, H264Q.
Identifiers: ClinVar variation 862665 (VCV000862665.6), dbSNP rs780811320, ClinGen allele CA966350.